The following is an entry in ClinVar:

NM_001376571.1(MADD):c.3086C>T (p.Ala1029Val)

Gene: MADD (MAP kinase activating death domain; plus strand). Cytogenetic location: 11p11.2.
Variant type: single nucleotide variant.
Coding change: c.3086C>T on transcript NM_001376571.1 (MANE Select); coding-DNA position 3086, C replaced by T.
Protein change: p.Ala1029Val; replaces alanine 1029 with valine.
Molecular consequence: missense variant. On other transcripts: non-coding transcript variant (7), intron variant (1).
Genome position (GRCh38, 1-based): chr11:47,290,231, C>T. VCF-style: chr11-47290231-C-T. GRCh37 (hg19) VCF-style: chr11-47311782-C-T.
Other names: c.2957C>T, p.Ala986Val (NM_001376617.1, NM_001376624.1, NM_001376625.1 and 15 more transcripts); c.2897C>T, p.Ala966Val (NM_001376618.1, NM_001376619.1, NM_001376621.1 and 20 more transcripts); c.2822C>T, p.Ala941Val (NM_001376620.1, NM_001376657.1); c.3026C>T, p.Ala1009Val (NM_001376622.1, NM_001376623.1, NM_130470.3 and 12 more transcripts); c.2882C>T, p.Ala961Val (NM_001376626.1, NM_001376648.1); c.2693C>T, p.Ala898Val (NM_001376644.1, NM_001376660.1, NM_001376647.1); c.2795C>T, p.Ala932Val (NM_001376658.1, NM_001376650.1); c.2753C>T, p.Ala918Val (NM_001376659.1, NM_001376646.1, NM_001376654.1 and 2 more transcripts); and 10 more; short protein forms A1000V, A1009V, A1029V, A1035V, A787V, A898V, A918V, A932V.
Identifiers: ClinVar variation 3376383 (VCV003376383.2).

ClinVar aggregate classification (germline): Uncertain significance. Review status: criteria provided, multiple submitters, no conflicts (2 of 4 stars). 2 submissions from 2 submitters: Uncertain significance (2). Last evaluated 2025-02-13.

Conditions:
Inborn genetic diseases. Identifiers: MedGen C0950123, MeSH D030342.
Deeah syndrome. Also called: DEVELOPMENTAL DELAY WITH ENDOCRINE, EXOCRINE, AUTONOMIC, AND HEMATOLOGIC ABNORMALITIES. Identifiers: Orphanet 686495, MedGen C5436579, MONDO:0033561, OMIM 619004.

gnomAD v4.1: 32 of 1,613,994 alleles (0.002%); highest among the groups gnomAD compares: Non-Finnish European, 0.0025%; no homozygotes.

Submissions (2):

Ambry Genetics
Classification: Uncertain significance for Inborn genetic diseases. Last evaluated: 2025-02-13. Review status: criteria provided, single submitter. Criteria: Ambry Variant Classification Scheme 2023. Collection method: clinical testing. Allele origin: germline.

Pittsburgh Clinical Genomics Laboratory, University of Pittsburgh Medical Center
Classification: Uncertain significance for Deeah syndrome. Last evaluated: 2024-01-23. Review status: criteria provided, single submitter. Criteria: ACMG Guidelines, 2015. Collection method: clinical testing. Allele origin: germline. Inheritance: Autosomal recessive inheritance. Affected: yes.
Comment: This sequence variant is a single nucleotide substitution (C>T) at position 3086 of the coding sequence of the MADD gene that results in an alanine to valine amino acid change at residue 1029 of the MAP kinase activating death domain protein. This variant is absent from ClinVar and literature reports. This variant is present in 32/1613994 alleles (0.001983%) in gnomAD v4.0.0 database. Multiple bioinformatic tools predict that this amino acid change would be neutral, and the Ala1029 residue at this position is highly conserved across the vertebrate species examined. Studies examining the functional consequence of this variant have not been performed, to our knowledge. At this time, there is insufficient evidence to determine if this variant is pathogenic or benign. Therefore, we consider this a variant of uncertain significance. ACMG Criteria: BP1, PM2